The following is an entry in ClinVar:

NM_006904.7(PRKDC):c.1843G>A (p.Ala615Thr)

Gene: PRKDC (protein kinase, DNA-activated, catalytic subunit; minus strand). Cytogenetic location: 8q11.21.
Variant type: single nucleotide variant.
Coding change: c.1843G>A on transcript NM_006904.7 (MANE Select); coding-DNA position 1843, G replaced by A.
Protein change: p.Ala615Thr; replaces alanine 615 with threonine.
Molecular consequence: missense variant.
Genome position (GRCh38, 1-based): chr8:47,930,721, C>T on the plus strand (G>A on the coding strand, the complement: PRKDC is on the minus strand). VCF-style: chr8-47930721-C-T. GRCh37 (hg19) VCF-style: chr8-48843281-C-T.
Other names: c.1843G>A, p.Ala615Thr (NM_001081640.2); short protein forms A615T.
Identifiers: ClinVar variation 1017084 (VCV001017084.9), dbSNP rs536246703, ClinGen allele CA4741622.
Genomic context (GRCh38, chr8:47,930,721, plus strand): 5'-TTACCAAATACCTGCAAAATTCCACCAGGTTAATGAAAGCCGAAAAATCTTTAGGTTTAG[C>T]TGGATGCAAGTTAGCCGCTGGATCTGAAGTTGGGATCATCCAAACACCAGGCGCCTCATC-3'
Protein context (NP_008835.5, residues 605-625): TSDPAANLHP[Ala615Thr]KPKDFSAFIN

ClinVar aggregate classification (germline): Uncertain significance. Review status: criteria provided, multiple submitters, no conflicts (2 of 4 stars). 2 submissions from 2 submitters: Uncertain significance (2). Last evaluated 2022-02-10.

Conditions:
Severe combined immunodeficiency due to DNA-PKcs deficiency. Also called: Immunodeficiency 26 with or without neurologic abnormalities; IMMUNODEFICIENCY 26 WITH NEUROLOGIC ABNORMALITIES. Identifiers: Orphanet 317425, MedGen C4014833, MONDO:0014423, OMIM 615966.

Allele frequency attached by ClinVar (database versions not stated): gnomAD 0.00001; gnomAD exomes 0.00002 and 0.00003; ExAC 0.00011; 1000 Genomes Project 30x 0.00031; 1000 Genomes Project 0.00040.
gnomAD v4.1: 24 of 1,591,006 alleles (0.0015%); highest among the groups gnomAD compares: South Asian, 0.025%; 1 homozygote.

Submissions (2):

Labcorp Genetics (formerly Invitae), Labcorp
Classification: Uncertain significance for Severe combined immunodeficiency due to DNA-PKcs deficiency. Last evaluated: 2022-02-10. Review status: criteria provided, single submitter. Criteria: Invitae Variant Classification Sherloc (09022015). Collection method: clinical testing. Allele origin: germline.
Comment: This sequence change replaces alanine, which is neutral and non-polar, with threonine, which is neutral and polar, at codon 615 of the PRKDC protein (p.Ala615Thr). The frequency data for this variant in the population databases is considered unreliable, as metrics indicate poor data quality at this position in the gnomAD database. In summary, the available evidence is currently insufficient to determine the role of this variant in disease. Therefore, it has been classified as a Variant of Uncertain Significance. Experimental studies and prediction algorithms are not available or were not evaluated, and the functional significance of this variant is currently unknown. ClinVar contains an entry for this variant (Variation ID: 1017084). This variant has not been reported in the literature in individuals affected with PRKDC-related conditions.

Ambry Genetics
Classification: Uncertain significance. Last evaluated: 2021-08-02. Review status: criteria provided, single submitter. Criteria: Ambry Variant Classification Scheme 2023. Collection method: clinical testing. Allele origin: germline.
Comment: The p.A615T variant (also known as c.1843G>A), located in coding exon 17 of the PRKDC gene, results from a G to A substitution at nucleotide position 1843. The alanine at codon 615 is replaced by threonine, an amino acid with similar properties. This amino acid position is conserved. In addition, this alteration is predicted to be tolerated by in silico analysis. Since supporting evidence is limited at this time, the clinical significance of this alteration remains unclear.